The following is an entry in ClinVar:

ClinVar aggregate classification (germline): Uncertain significance (1 of 4 stars; one submission).

Conditions:
Alagille syndrome due to a JAG1 point mutation. Also called: HEPATIC DUCTULAR HYPOPLASIA, SYNDROMATIC; JAG1-Related Alagille Syndrome; Alagille Syndrome 1. Identifiers: Orphanet 261619, Orphanet 52, MedGen C1956125, MONDO:0016862, OMIM 118450.

Submission:

Labcorp Genetics (formerly Invitae), Labcorp
Classification: Uncertain significance for Alagille syndrome due to a JAG1 point mutation. Last evaluated: 2020-10-28. Review status: criteria provided, single submitter. Criteria: Invitae Variant Classification Sherloc (09022015). Collection method: clinical testing. Allele origin: germline.
Comment: In summary, the available evidence is currently insufficient to determine the role of this variant in disease. Therefore, it has been classified as a Variant of Uncertain Significance. Advanced modeling of protein sequence and biophysical properties (such as structural, functional, and spatial information, amino acid conservation, physicochemical variation, residue mobility, and thermodynamic stability) performed at Invitae indicates that this missense variant is not expected to disrupt JAG1 protein function. This variant has not been reported in the literature in individuals with JAG1-related conditions. This variant is not present in population databases (ExAC no frequency). This sequence change replaces alanine with threonine at codon 1053 of the JAG1 protein (p.Ala1053Thr). The alanine residue is highly conserved and there is a small physicochemical difference between alanine and threonine.

NM_000214.3(JAG1):c.3157G>A (p.Ala1053Thr)

Gene: JAG1 (jagged canonical Notch ligand 1; minus strand). Cytogenetic location: 20p12.2.
Variant type: single nucleotide variant.
Coding change: c.3157G>A on transcript NM_000214.3 (MANE Select); coding-DNA position 3157, G replaced by A.
Protein change: p.Ala1053Thr; replaces alanine 1053 with threonine.
Molecular consequence: missense variant.
Genome position (GRCh38, 1-based): chr20:10,640,825, C>T on the plus strand (G>A on the coding strand, the complement: JAG1 is on the minus strand). VCF-style: chr20-10640825-C-T. GRCh37 (hg19) VCF-style: chr20-10621473-C-T.
Other names: short protein forms A1053T.
Identifiers: ClinVar variation 1014190 (VCV001014190.8), dbSNP rs2067265410, ClinGen allele CA408243989.